The following is an entry in ClinVar:

ClinVar aggregate classification (germline): Benign (1 of 4 stars; one submission).

Allele frequency attached by ClinVar (database versions not stated): ExAC 0.00035; gnomAD 0.00043; gnomAD exomes 0.00044; TOPMed 0.00053; 1000 Genomes Project 0.00060; 1000 Genomes Project 30x 0.00078; ESP Exome Variant Server 0.00023.
gnomAD v4.1: 706 of 1,614,160 alleles (0.044%); highest among the groups gnomAD compares: Admixed American, 0.097%; no homozygotes.

Submission:

CeGaT Center for Human Genetics Tuebingen
Classification: Benign. Last evaluated: 2026-07-01. Review status: criteria provided, single submitter. Criteria: CeGaT Center For Human Genetics Tuebingen Variant Classification Criteria Version 2. Collection method: clinical testing. Allele origin: germline. Affected: yes. Observed: 3 variant alleles.
Comment: ZNF462: BS1, BS2

NM_021224.6(ZNF462):c.4093G>A (p.Glu1365Lys)

Gene: ZNF462 (zinc finger protein 462; plus strand). Cytogenetic location: 9q31.2.
Variant type: single nucleotide variant.
Coding change: c.4093G>A on transcript NM_021224.6 (MANE Select); coding-DNA position 4093, G replaced by A.
Protein change: p.Glu1365Lys; replaces glutamic acid 1365 with lysine.
Molecular consequence: missense variant. On other transcripts: intron variant (1).
Genome position (GRCh38, 1-based): chr9:106,928,005, G>A. VCF-style: chr9-106928005-G-A. GRCh37 (hg19) VCF-style: chr9-109690286-G-A.
Other names: c.3252+841G>A (NM_001347997.2); short protein forms E1365K.
Identifiers: ClinVar variation 2659379 (VCV002659379.24), dbSNP rs190490829, ClinGen allele CA5171770.
Genomic context (GRCh38, chr9:106,928,005, plus strand): 5'-ATGGCTACTAAACTGTGGGCTGGGCCAGACCCATCCCCTCCCTCTCTCACAATGCCAGCC[G>A]AAGCCAAAACCTACAGATGCAGGGACTGTGTTTTCGAAGCTGTTTCCATCTGGGACATCA-3'
Protein context (NP_067047.4, residues 1355-1375): PSPPSLTMPA[Glu1365Lys]AKTYRCRDCV